The following is an entry in ClinVar:

ClinVar aggregate classification (germline): Likely benign (1 of 4 stars; one submission).

Conditions:
Colorectal cancer, susceptibility to, 1. Also called: COLORECTAL ADENOMA AND CANCER, SUSCEPTIBILITY TO; COLORECTAL CANCER, SUSCEPTIBILITY TO, ON CHROMOSOME 9. Identifiers: MedGen C1837315, MONDO:0012132, OMIM 608812.

Submission:

Myriad Genetics, Inc.
Classification: Likely benign for Colorectal cancer, susceptibility to, 1. Last evaluated: 2026-04-22. Review status: criteria provided, single submitter. Criteria: Myriad Autosomal Dominant, Autosomal Recessive and X-Linked Classification Criteria (2023). Collection method: clinical testing. Allele origin: unknown.
Comment: This variant is considered likely benign. This variant is intronic and is not expected to impact mRNA splicing.

NM_024642.5(GALNT12):c.1606-4G>A

Gene: GALNT12 (polypeptide N-acetylgalactosaminyltransferase 12; plus strand). Cytogenetic location: 9q22.33.
Variant type: single nucleotide variant.
Coding change: c.1606-4G>A on transcript NM_024642.5 (MANE Select); 4 bases into the intron before coding-DNA position 1606, G replaced by A.
Molecular consequence: intron variant.
Genome position (GRCh38, 1-based): chr9:98,848,948, G>A. VCF-style: chr9-98848948-G-A. GRCh37 (hg19) VCF-style: chr9-101611230-G-A.
Identifiers: ClinVar variation 4876153 (VCV004876153.1).